The following is an entry in ClinVar:

NM_001134363.3(RBM20):c.3476C>A (p.Thr1159Asn)

Gene: RBM20 (RNA binding motif protein 20; plus strand). Cytogenetic location: 10q25.2.
Variant type: single nucleotide variant.
Coding change: c.3476C>A on transcript NM_001134363.3 (MANE Select); coding-DNA position 3476, C replaced by A.
Protein change: p.Thr1159Asn; replaces threonine 1159 with asparagine.
Molecular consequence: missense variant.
Genome position (GRCh38, 1-based): chr10:110,831,085, C>A. VCF-style: chr10-110831085-C-A. GRCh37 (hg19) VCF-style: chr10-112590843-C-A.
Other names: short protein forms T1159N.
Identifiers: ClinVar variation 2778078 (VCV002778078.4), dbSNP rs1467476246, ClinGen allele CA378386434.

ClinVar aggregate classification (germline): Uncertain significance. Review status: criteria provided, multiple submitters, no conflicts (2 of 4 stars). 2 submissions from 2 submitters: Uncertain significance (2). Last evaluated 2026-04-23.

Conditions:
Dilated cardiomyopathy 1DD (CMD1DD). Identifiers: Orphanet 154, MedGen C2750995, MONDO:0013168, OMIM 613172.

Submissions (2):

GeneDx
Classification: Uncertain significance. Last evaluated: 2026-04-23. Review status: criteria provided, single submitter. Criteria: GeneDx Variant Classification Process June 2021. Collection method: clinical testing. Allele origin: germline.
Comment: Not observed at significant frequency in large population cohorts (gnomAD); In silico analysis supports that this missense variant has a deleterious effect on protein structure/function; Has not been previously published as pathogenic or benign to our knowledge

Labcorp Genetics (formerly Invitae), Labcorp
Classification: Uncertain significance for Dilated cardiomyopathy 1DD. Last evaluated: 2023-10-27. Review status: criteria provided, single submitter. Criteria: Invitae Variant Classification Sherloc (09022015). Collection method: clinical testing. Allele origin: germline.
Comment: This sequence change replaces threonine, which is neutral and polar, with asparagine, which is neutral and polar, at codon 1159 of the RBM20 protein (p.Thr1159Asn). The frequency data for this variant in the population databases is considered unreliable, as metrics indicate poor data quality at this position in the gnomAD database. This variant has not been reported in the literature in individuals affected with RBM20-related conditions. Advanced modeling of protein sequence and biophysical properties (such as structural, functional, and spatial information, amino acid conservation, physicochemical variation, residue mobility, and thermodynamic stability) performed at Invitae indicates that this missense variant is not expected to disrupt RBM20 protein function with a negative predictive value of 95%. In summary, the available evidence is currently insufficient to determine the role of this variant in disease. Therefore, it has been classified as a Variant of Uncertain Significance.